The following is an entry in ClinVar:

NM_002582.4(PARN):c.620+5G>A

Gene: PARN (poly(A)-specific ribonuclease; minus strand). Cytogenetic location: 16p13.12.
Variant type: single nucleotide variant.
Coding change: c.620+5G>A on transcript NM_002582.4 (MANE Select); 5 bases into the intron after coding-DNA position 620, G replaced by A.
Molecular consequence: intron variant.
Genome position (GRCh38, 1-based): chr16:14,609,053, C>T on the plus strand (G>A on the coding strand, the complement: PARN is on the minus strand). VCF-style: chr16-14609053-C-T. GRCh37 (hg19) VCF-style: chr16-14702910-C-T.
Other names: c.437+5G>A (NM_001134477.3); c.482+5G>A (NM_001242992.2).
Identifiers: ClinVar variation 834005 (VCV000834005.4), dbSNP rs1971361795, ClinGen allele CA493436240.

ClinVar aggregate classification (germline): Likely pathogenic. Review status: criteria provided, single submitter (1 of 4 stars). 3 submissions from 3 submitters: Likely pathogenic (1). 2 of the submissions do not count toward it. Last evaluated 2024-03-13.

Conditions:
Dyskeratosis congenita, autosomal recessive 6 (DKCB6). Identifiers: MedGen C4225356, MONDO:0014600, OMIM 616353.
Pulmonary fibrosis and/or bone marrow failure, Telomere-related, 4. Also called: PULMONARY FIBROSIS AND/OR BONE MARROW FAILURE SYNDROME, TELOMERE-RELATED, 4. Identifiers: Orphanet 2032, MedGen C4225347, MONDO:0014612, OMIM 616371.
Pulmonary fibrosis. Identifiers: MedGen C0034069, MONDO:0002771, HP:0002206.
Familial Interstitial Pneumonia.

Allele frequency attached by ClinVar (database versions not stated): TOPMed 0.00001.

Submissions (3):

Labcorp Genetics (formerly Invitae), Labcorp
Classification: Likely pathogenic for Dyskeratosis congenita, autosomal recessive 6; Pulmonary fibrosis and/or bone marrow failure, Telomere-related, 4. Last evaluated: 2024-03-13. Review status: criteria provided, single submitter. Criteria: Invitae Variant Classification Sherloc (09022015). Collection method: clinical testing. Allele origin: germline.
Comment: This sequence change falls in intron 8 of the PARN gene. It does not directly change the encoded amino acid sequence of the PARN protein. It affects a nucleotide within the consensus splice site. This variant is not present in population databases (gnomAD no frequency). This variant has been observed in individual(s) with interstitial lung disease (PMID: 28414520). It has also been observed to segregate with disease in related individuals. ClinVar contains an entry for this variant (Variation ID: 834005). Variants that disrupt the consensus splice site are a relatively common cause of aberrant splicing (PMID: 17576681, 9536098). Algorithms developed to predict the effect of sequence changes on RNA splicing suggest that this variant may disrupt the consensus splice site. In summary, the currently available evidence indicates that the variant is pathogenic, but additional data are needed to prove that conclusively. Therefore, this variant has been classified as Likely Pathogenic.

Undiagnosed Diseases Network, NIH
Classification: Likely pathogenic for Pulmonary fibrosis and/or bone marrow failure, Telomere-related, 4. Last evaluated: 2023-12-08. Review status: no assertion criteria provided. Collection method: clinical testing. Allele origin: unknown. Inheritance: Autosomal dominant inheritance. Affected: yes. Observed: 1 variant allele, 1 heterozygote. Study: Undiagnosed Diseases Network (NIH), UDN. Not counted in ClinVar's aggregate classification.

University of Washington Center for Mendelian Genomics, University of Washington
Classification: Likely pathogenic for Pulmonary Fibrosis; Familial Interstitial Pneumonia. Review status: no assertion criteria provided. Collection method: research. Allele origin: inherited. Affected: yes. Not counted in ClinVar's aggregate classification.

Literature cited by the submitters: PubMed 28414520 (cited by Labcorp Genetics (formerly Invitae), Labcorp and University of Washington Center for Mendelian Genomics, University of Washington); PubMed 17576681 (cited by Labcorp Genetics (formerly Invitae), Labcorp); PubMed 9536098 (cited by Labcorp Genetics (formerly Invitae), Labcorp).